The following is an entry in ClinVar:

NM_018389.5(SLC35C1):c.340G>A (p.Ala114Thr)

Gene: SLC35C1 (solute carrier family 35 member C1; plus strand). Cytogenetic location: 11p11.2.
Variant type: single nucleotide variant.
Coding change: c.340G>A on transcript NM_018389.5 (MANE Select); coding-DNA position 340, G replaced by A.
Protein change: p.Ala114Thr; replaces alanine 114 with threonine.
Molecular consequence: missense variant.
Genome position (GRCh38, 1-based): chr11:45,806,141, G>A. VCF-style: chr11-45806141-G-A. GRCh37 (hg19) VCF-style: chr11-45827692-G-A.
Other names: c.301G>A, p.Ala101Thr (NM_001145265.2, NM_001145266.2, NM_001425156.1); c.340G>A, p.Ala114Thr (NM_001425155.1); short protein forms A114T, A101T.
Identifiers: ClinVar variation 4704458 (VCV004704458.1).
Genomic context (GRCh38, chr11:45,806,141, plus strand): 5'-CTGGCCGCCTGCTGCCCTGGTGCCGTGGACTTCCCCAGCTTGCGCCTGGACCTCAGGGTG[G>A]CCCGCAGCGTCCTGCCCCTGTCGGTGGTCTTCATCGGCATGATCACCTTCAATAACCTCT-3'
Protein context (NP_060859.4, residues 104-124): FPSLRLDLRV[Ala114Thr]RSVLPLSVVF

ClinVar aggregate classification (germline): Uncertain significance (1 of 4 stars; one submission).

Conditions:
Leukocyte adhesion deficiency type II. Also called: CONGENITAL DISORDER OF GLYCOSYLATION, TYPE IIc; Congenital disorder of glycosylation type 2C; CDG 2C; Leukocyte adhesion deficiency type 2; Rambam Hasharon syndrome; CDG IIc. Identifiers: Orphanet 2968, Orphanet 99843, MedGen C0398739, MONDO:0009953, OMIM 266265.

Submission:

Labcorp Genetics (formerly Invitae), Labcorp
Classification: Uncertain significance for Leukocyte adhesion deficiency type II. Last evaluated: 2025-07-23. Review status: criteria provided, single submitter. Criteria: Invitae Variant Classification Sherloc (09022015). Collection method: clinical testing. Allele origin: germline.
Comment: This sequence change replaces alanine, which is neutral and non-polar, with threonine, which is neutral and polar, at codon 114 of the SLC35C1 protein (p.Ala114Thr). This variant is not present in population databases (gnomAD no frequency). This variant has not been reported in the literature in individuals affected with SLC35C1-related conditions. Invitae Evidence Modeling of protein sequence and biophysical properties (such as structural, functional, and spatial information, amino acid conservation, physicochemical variation, residue mobility, and thermodynamic stability) indicates that this missense variant is not expected to disrupt SLC35C1 protein function with a negative predictive value of 80%. In summary, the available evidence is currently insufficient to determine the role of this variant in disease. Therefore, it has been classified as a Variant of Uncertain Significance.